The following is an entry in ClinVar:

ClinVar aggregate classification (germline): Uncertain significance (1 of 4 stars; one submission).

Conditions:
Spondylocostal dysostosis 3, autosomal recessive (SCDO3). Also called: LFNG-Related Spondylocostal Dysostosis, Autosomal Recessive. Identifiers: Orphanet 2311, MedGen C1853296, MONDO:0012349, OMIM 609813.

Allele frequency attached by ClinVar (database versions not stated): gnomAD exomes below 0.00001; TOPMed below 0.00001; gnomAD 0.00001.
gnomAD v4.1: 2 of 983,282 alleles (0.0002%); highest among the groups gnomAD compares: Non-Finnish European, 0.00024%; no homozygotes.

Submission:

Labcorp Genetics (formerly Invitae), Labcorp
Classification: Uncertain significance for Spondylocostal dysostosis 3, autosomal recessive. Last evaluated: 2022-01-05. Review status: criteria provided, single submitter. Criteria: Invitae Variant Classification Sherloc (09022015). Collection method: clinical testing. Allele origin: germline.
Comment: This sequence change replaces alanine, which is neutral and non-polar, with valine, which is neutral and non-polar, at codon 46 of the LFNG protein (p.Ala46Val). The frequency data for this variant in the population databases is considered unreliable, as metrics indicate insufficient coverage at this position in the gnomAD database. This variant has not been reported in the literature in individuals affected with LFNG-related conditions. Algorithms developed to predict the effect of missense changes on protein structure and function output the following: SIFT: "Tolerated"; PolyPhen-2: "Not Available"; Align-GVGD: "Class C0". The valine amino acid residue is found in multiple mammalian species, which suggests that this missense change does not adversely affect protein function. Algorithms developed to predict the effect of sequence changes on RNA splicing suggest that this variant may create or strengthen a splice site. In summary, the available evidence is currently insufficient to determine the role of this variant in disease. Therefore, it has been classified as a Variant of Uncertain Significance.

NM_001040167.2(LFNG):c.137C>T (p.Ala46Val)

Gene: LFNG (LFNG O-fucosylpeptide 3-beta-N-acetylglucosaminyltransferase; plus strand). Cytogenetic location: 7p22.3.
Variant type: single nucleotide variant.
Coding change: c.137C>T on transcript NM_001040167.2 (MANE Select); coding-DNA position 137, C replaced by T.
Protein change: p.Ala46Val; replaces alanine 46 with valine.
Molecular consequence: missense variant. On other transcripts: intron variant (2).
Genome position (GRCh38, 1-based): chr7:2,519,998, C>T. VCF-style: chr7-2519998-C-T. GRCh37 (hg19) VCF-style: chr7-2559632-C-T.
Other names: c.137C>T, p.Ala46Val (NM_001040168.2); c.220-4697C>T (NM_001166355.2); c.45+1400C>T (NM_002304.3); short protein forms A46V.
Identifiers: ClinVar variation 2068568 (VCV002068568.4), dbSNP rs1779739417, ClinGen allele CA366613138.